The following is an entry in ClinVar:

NM_006204.4(PDE6C):c.2144+5del

Gene: PDE6C (phosphodiesterase 6C; plus strand). Cytogenetic location: 10q23.33.
Variant type: Deletion.
Coding change: c.2144+5del on transcript NM_006204.4 (MANE Select); 5 bases into the intron after coding-DNA position 2144, one base deleted (G; older notation c.2144+5delG).
Molecular consequence: intron variant.
Genome position (GRCh38, 1-based): chr10:93,659,013, G deleted; the last of 2 consecutive G bases (chr10:93,659,012-93,659,013); deleting either gives the same sequence. VCF-style (leftmost placement, unchanged base first): chr10-93659011-AG-A. GRCh37 (hg19) VCF-style: chr10-95418768-AG-A.
Identifiers: ClinVar variation 854503 (VCV000854503.8), dbSNP rs2058654081, ClinGen allele CA916083158.

ClinVar aggregate classification (germline): Uncertain significance. Review status: criteria provided, multiple submitters, no conflicts (2 of 4 stars). 2 submissions from 2 submitters: Uncertain significance (2). Last evaluated 2019-12-03.

Submissions (2):

Labcorp Genetics (formerly Invitae), Labcorp
Classification: Uncertain significance. Last evaluated: 2019-12-03. Review status: criteria provided, single submitter. Criteria: Invitae Variant Classification Sherloc (09022015). Collection method: clinical testing. Allele origin: germline.
Comment: This sequence change falls in intron 17 of the PDE6C gene. It does not directly change the encoded amino acid sequence of the PDE6C protein, but it affects a nucleotide within the consensus splice site of the intron. This variant is not present in population databases (ExAC no frequency). In summary, the available evidence is currently insufficient to determine the role of this variant in disease. Therefore, it has been classified as a Variant of Uncertain Significance. Nucleotide substitutions within the consensus splice site are a relatively common cause of aberrant splicing (PMID: 17576681, 9536098). Algorithms developed to predict the effect of sequence changes on RNA splicing suggest that this variant may disrupt the consensus splice site, but this prediction has not been confirmed by published transcriptional studies. This variant has not been reported in the literature in individuals with PDE6C-related conditions.

Blueprint Genetics
Classification: Uncertain significance. Last evaluated: 2017-11-30. Review status: criteria provided, single submitter. Criteria: ACMG Guidelines, 2015. Collection method: clinical testing. Allele origin: germline.

Literature cited by the submitters: PubMed 17576681 (cited by Labcorp Genetics (formerly Invitae), Labcorp); PubMed 9536098 (cited by Labcorp Genetics (formerly Invitae), Labcorp).